The following is an entry in ClinVar:

NM_003718.5(CDK13):c.454C>G (p.Gln152Glu)

Genes: CDK13 (cyclin dependent kinase 13; plus strand), LOC129998292 (ATAC-STARR-seq lymphoblastoid silent region 18115; plus strand). Cytogenetic location: 7p14.1.
Variant type: single nucleotide variant.
Coding change: c.454C>G on transcript NM_003718.5 (MANE Select); coding-DNA position 454, C replaced by G.
Protein change: p.Gln152Glu; replaces glutamine 152 with glutamic acid.
Molecular consequence: missense variant.
Genome position (GRCh38, 1-based): chr7:39,951,095, C>G. VCF-style: chr7-39951095-C-G. GRCh37 (hg19) VCF-style: chr7-39990694-C-G.
Other names: c.454C>G, p.Gln152Glu (NM_031267.4); short protein forms Q152E.
Identifiers: ClinVar variation 4609987 (VCV004609987.1).

ClinVar aggregate classification (germline): Uncertain significance (1 of 4 stars; one submission).

Conditions:
Inborn genetic diseases. Identifiers: MedGen C0950123, MeSH D030342.

gnomAD v4.1: 2 of 1,259,724 alleles (0.00016%); highest among the groups gnomAD compares: Non-Finnish European, 0.0002%; 1 homozygote.

Submission:

Ambry Genetics
Classification: Uncertain significance for Inborn genetic diseases. Last evaluated: 2025-11-25. Review status: criteria provided, single submitter. Criteria: Ambry Variant Classification Scheme 2023. Collection method: clinical testing. Allele origin: germline.
Comment: The c.454C>G (p.Q152E) alteration is located in exon 1 (coding exon 1) of the CDK13 gene. This alteration results from a C to G substitution at nucleotide position 454, causing the glutamine (Q) at amino acid position 152 to be replaced by a glutamic acid (E). Based on data from gnomAD, the G allele has an overall frequency of 0.006% (2/31224) total alleles studied. The highest observed frequency was 0.013% (2/15368) of European (non-Finnish) alleles. Based on insufficient or conflicting evidence, the clinical significance of this alteration remains unclear.